The following is an entry in ClinVar:

ClinVar aggregate classification (germline): Pathogenic/Likely pathogenic. Review status: criteria provided, multiple submitters, no conflicts (2 of 4 stars). 2 submissions from 2 submitters: Pathogenic (1); Likely pathogenic (1). Last evaluated 2020-03-25.

Conditions:
Mowat-Wilson syndrome (MOWS). Also called: Classic Mowat-Wilson Syndrome. Identifiers: Orphanet 2152, MedGen C1856113, MONDO:0009341, OMIM 235730.

Submissions (2):

CENTOGENE GmbH and LLC - Guiding Precision Medicine
Classification: Likely pathogenic for Mowat-Wilson syndrome. Last evaluated: 2020-03-25. Review status: criteria provided, single submitter. Criteria: ACMG Guidelines, 2015. Collection method: clinical testing. Allele origin: germline. Affected: yes.

Labcorp Genetics (formerly Invitae), Labcorp
Classification: Pathogenic for Mowat-Wilson syndrome. Last evaluated: 2020-03-20. Review status: criteria provided, single submitter. Criteria: Invitae Variant Classification Sherloc (09022015). Collection method: clinical testing. Allele origin: germline.
Comment: This sequence change creates a premature translational stop signal (p.Tyr293Ilefs*2) in the ZEB2 gene. It is expected to result in an absent or disrupted protein product. This variant is not present in population databases (ExAC no frequency). This variant has not been reported in the literature in individuals with ZEB2-related conditions. Loss-of-function variants in ZEB2 are known to be pathogenic (PMID: 16053902). For these reasons, this variant has been classified as Pathogenic.

Literature cited by the submitters: PubMed 16053902 (cited by Labcorp Genetics (formerly Invitae), Labcorp).

NM_014795.4(ZEB2):c.876dup (p.Tyr293fs)

Gene: ZEB2 (zinc finger E-box binding homeobox 2; minus strand). Cytogenetic location: 2q22.3.
Variant type: Duplication.
Coding change: c.876dup on transcript NM_014795.4 (MANE Select); coding-DNA position 876, one base duplicated (A; older notation c.876dupA).
Protein change: p.Tyr293fs; shifts the reading frame from tyrosine 293.
Molecular consequence: frameshift variant.
Genome position (GRCh38, 1-based): chr2:144,401,239, T duplicated on the plus strand (A on the coding strand, the reverse complement: ZEB2 is on the minus strand); the first of 3 consecutive T bases (chr2:144,401,239-144,401,241); duplicating any one gives the same sequence. VCF-style (leftmost placement, unchanged base first): chr2-144401238-A-AT. GRCh37 (hg19) VCF-style: chr2-145158805-A-AT.
Other names: c.804dup, p.Tyr269fs (NM_001171653.2); short protein forms Y269fs, Y293fs.
Identifiers: ClinVar variation 1076838 (VCV001076838.3), dbSNP rs2149877962, ClinGen allele CA2499214973.
Genomic context (GRCh38, chr2:144,401,238, plus strand): 5'-TCCAGCACCTCTGCTACTCACCACTGTGAATTCGCAGGTGTTCTTTCAGATGGTGTTTAT[A>AT]TTTGAAGGCCTTGCCACACTCTGTGCATTTGAACTTGCGATTACCTGCTCCTTGGGTTAG-3'